The following is an entry in ClinVar:

NM_014000.3(VCL):c.2330C>T (p.Pro777Leu)

Gene: VCL (vinculin; plus strand). Cytogenetic location: 10q22.2.
Variant type: single nucleotide variant.
Coding change: c.2330C>T on transcript NM_014000.3 (MANE Select); coding-DNA position 2330, C replaced by T.
Protein change: p.Pro777Leu; replaces proline 777 with leucine.
Molecular consequence: missense variant.
Genome position (GRCh38, 1-based): chr10:74,105,249, C>T. VCF-style: chr10-74105249-C-T. GRCh37 (hg19) VCF-style: chr10-75865007-C-T.
Other names: c.2330C>T, p.Pro777Leu (NM_003373.4); short protein forms P777L.
Identifiers: ClinVar variation 568498 (VCV000568498.9), dbSNP rs1564532927, ClinGen allele CA377262541.
Genomic context (GRCh38, chr10:74,105,249, plus strand): 5'-CTCGTCGGGCCAACCGGATCCTGCTGGTGGCTAAGAGGGAGGTGGAGAATTCCGAGGATC[C>T]CAAGTTCCGTGAGGCTGTGAAAGCTGCCTCTGATGAATTGAGCAAAACCATCTCCCCGAT-3'
Protein context (NP_054706.1, residues 767-787): AKREVENSED[Pro777Leu]KFREAVKAAS

ClinVar aggregate classification (germline): Uncertain significance. Review status: criteria provided, multiple submitters, no conflicts (2 of 4 stars). 2 submissions from 2 submitters: Uncertain significance (2). Last evaluated 2025-08-11.

Conditions:
Dilated cardiomyopathy 1W (CMD1W). Identifiers: Orphanet 154, MedGen C1969639, MONDO:0012667, OMIM 611407.
Cardiovascular phenotype. Identifiers: MedGen CN230736.

Allele frequency attached by ClinVar (database versions not stated): gnomAD exomes below 0.00001; TOPMed below 0.00001.
gnomAD v4.1: 1 of 1,614,092 alleles (0.000062%); highest among the groups gnomAD compares: Non-Finnish European, 0.000085%; no homozygotes.

Submissions (2):

Labcorp Genetics (formerly Invitae), Labcorp
Classification: Uncertain significance for Dilated cardiomyopathy 1W. Last evaluated: 2025-08-11. Review status: criteria provided, single submitter. Criteria: Invitae Variant Classification Sherloc (09022015). Collection method: clinical testing. Allele origin: germline.
Comment: This sequence change replaces proline, which is neutral and non-polar, with leucine, which is neutral and non-polar, at codon 777 of the VCL protein (p.Pro777Leu). This variant is not present in population databases (gnomAD no frequency). This variant has not been reported in the literature in individuals affected with VCL-related conditions. ClinVar contains an entry for this variant (Variation ID: 568498). An algorithm developed to predict the effect of missense changes on protein structure and function (PolyPhen-2) suggests that this variant is likely to be disruptive. In summary, the available evidence is currently insufficient to determine the role of this variant in disease. Therefore, it has been classified as a Variant of Uncertain Significance.

Ambry Genetics
Classification: Uncertain significance for Cardiovascular phenotype. Last evaluated: 2022-09-13. Review status: criteria provided, single submitter. Criteria: Ambry Variant Classification Scheme 2023. Collection method: clinical testing. Allele origin: germline.
Comment: The p.P777L variant (also known as c.2330C>T), located in coding exon 16 of the VCL gene, results from a C to T substitution at nucleotide position 2330. The proline at codon 777 is replaced by leucine, an amino acid with similar properties. This amino acid position is conserved. In addition, the in silico prediction for this alteration is inconclusive. Since supporting evidence is limited at this time, the clinical significance of this alteration remains unclear.